The following is an entry in ClinVar:

NM_032273.4(TMEM126A):c.-46_-45insACCG

Genes: TMEM126A (transmembrane protein 126A; plus strand), LOC130006551 (ATAC-STARR-seq lymphoblastoid active region 5367; plus strand). Cytogenetic location: 11q14.1.
Variant type: Insertion.
Coding change: c.-46_-45insACCG on transcript NM_032273.4 (MANE Select); 46 bases upstream of the start codon through 45 bases upstream of the start codon, ACCG inserted.
Molecular consequence: 5 prime UTR variant.
Genome position: GRCh38 VCF-style: chr11-85648050-A-AGACC. GRCh37 (hg19) VCF-style: chr11-85359094-A-AGACC.
Other names: c.-163_-162insACCG (NM_001244735.2).
Identifiers: ClinVar variation 215269 (VCV000215269.7), dbSNP rs201491180, ClinGen allele CA325416.

ClinVar aggregate classification (germline): Benign. Review status: criteria provided, single submitter (1 of 4 stars). 2 submissions from 1 submitter: Benign (1). 1 of the submissions does not count toward it. Last evaluated 2018-04-10.

Submissions (2):

GeneDx
Classification: Benign. Last evaluated: 2018-04-10. Review status: criteria provided, single submitter. Criteria: GeneDx Variant Classification Process June 2021. Collection method: clinical testing. Allele origin: germline. Affected: yes.

GeneDx
Classification: Benign. Last evaluated: 2014-04-22. Review status: flagged submission. Criteria: GeneDx Variant Classification (06012015). Collection method: clinical testing. Allele origin: germline. Affected: yes. Not counted in ClinVar's aggregate classification.
Comment: The variant is found in MITONUC-MITOP panel(s).
ClinVar note: Reason: This record appears to be redundant with a more recent record from the same submitter.
ClinVar note: Notes: SCV000252390 appears to be redundant with SCV001840468.